The following is an entry in ClinVar:

ClinVar aggregate classification (germline): Benign. Review status: criteria provided, multiple submitters, no conflicts (2 of 4 stars). 3 submissions from 3 submitters: Benign (2). 1 of the submissions does not count toward it. Last evaluated 2019-12-31.

Conditions:
UBR4-related disorder. Also called: UBR4-related condition.

Allele frequency attached by ClinVar (database versions not stated): 1000 Genomes Project 0.00439; 1000 Genomes Project 30x 0.00468; gnomAD 0.00767; TOPMed 0.00951; ESP Exome Variant Server 0.01315.
gnomAD v4.1: 19,357 of 1,611,736 alleles (1.2%); highest among the groups gnomAD compares: Non-Finnish European, 1.4%; 156 homozygotes.

Submissions (3):

Labcorp Genetics (formerly Invitae), Labcorp
Classification: Benign. Last evaluated: 2019-12-31. Review status: criteria provided, single submitter. Criteria: Invitae Variant Classification Sherloc (09022015). Collection method: clinical testing. Allele origin: germline.

Breakthrough Genomics
Classification: Benign. Review status: criteria provided, single submitter. Criteria: ACMG Guidelines, 2015. Collection method: not provided. Allele origin: germline. Inheritance: Unknown mechanism. Affected: yes.

PreventionGenetics, part of Exact Sciences
Classification: Benign for UBR4-related condition. Last evaluated: 2019-03-01. Review status: no assertion criteria provided. Collection method: clinical testing. Allele origin: germline. Not counted in ClinVar's aggregate classification.
Comment: This variant is classified as benign based on ACMG/AMP sequence variant interpretation guidelines (Richards et al. 2015 PMID: 25741868, with internal and published modifications).

NM_020765.3(UBR4):c.5760+10C>T

Gene: UBR4 (ubiquitin protein ligase E3 component n-recognin 4; minus strand). Cytogenetic location: 1p36.13.
Variant type: single nucleotide variant.
Coding change: c.5760+10C>T on transcript NM_020765.3 (MANE Select); 10 bases into the intron after coding-DNA position 5760, C replaced by T.
Molecular consequence: intron variant.
Genome position (GRCh38, 1-based): chr1:19,157,805, G>A on the plus strand (C>T on the coding strand, the complement: UBR4 is on the minus strand). VCF-style: chr1-19157805-G-A. GRCh37 (hg19) VCF-style: chr1-19484299-G-A.
Identifiers: ClinVar variation 774790 (VCV000774790.7), dbSNP rs150351044, ClinGen allele CA650491.